The following is an entry in ClinVar:

NM_017436.7(A4GALT):c.409C>T (p.Pro137Ser)

Gene: A4GALT (alpha 1,4-galactosyltransferase (P1PK blood group); minus strand). Cytogenetic location: 22q13.2.
Variant type: single nucleotide variant.
Coding change: c.409C>T on transcript NM_017436.7 (MANE Select); coding-DNA position 409, C replaced by T.
Protein change: p.Pro137Ser; replaces proline 137 with serine.
Molecular consequence: missense variant.
Genome position (GRCh38, 1-based): chr22:42,693,543, G>A on the plus strand (C>T on the coding strand, the complement: A4GALT is on the minus strand). VCF-style: chr22-42693543-G-A. GRCh37 (hg19) VCF-style: chr22-43089549-G-A.
Other names: c.409C>T, p.Pro137Ser (NM_001318038.3); short protein forms P137S.
Identifiers: ClinVar variation 3413241 (VCV003413241.2).

ClinVar aggregate classification (germline): Uncertain significance. Review status: criteria provided, multiple submitters, no conflicts (2 of 4 stars). 2 submissions from 2 submitters: Uncertain significance (2). Last evaluated 2025-10-03.

gnomAD v4.1: 2 of 1,613,378 alleles (0.00012%); highest among the groups gnomAD compares: Non-Finnish European, 0.000085%; no homozygotes.

Submissions (2):

Labcorp Genetics (formerly Invitae), Labcorp
Classification: Uncertain significance. Last evaluated: 2025-10-03. Review status: criteria provided, single submitter. Criteria: Invitae Variant Classification Sherloc (09022015). Collection method: clinical testing. Allele origin: germline.
Comment: This sequence change replaces proline, which is neutral and non-polar, with serine, which is neutral and polar, at codon 137 of the A4GALT protein (p.Pro137Ser). This variant is not present in population databases (gnomAD no frequency). This variant has not been reported in the literature in individuals affected with A4GALT-related conditions. ClinVar contains an entry for this variant (Variation ID: 3413241). An algorithm developed to predict the effect of missense changes on protein structure and function outputs the following: PolyPhen-2: "Benign". The serine amino acid residue is found in multiple mammalian species, which suggests that this missense change does not adversely affect protein function. In summary, the available evidence is currently insufficient to determine the role of this variant in disease. Therefore, it has been classified as a Variant of Uncertain Significance.

Ambry Genetics
Classification: Uncertain significance. Last evaluated: 2024-11-10. Review status: criteria provided, single submitter. Criteria: Ambry Variant Classification Scheme 2023. Collection method: clinical testing. Allele origin: germline.